The following is an entry in ClinVar:

ClinVar aggregate classification (germline): Likely benign (1 of 4 stars; one submission).

Conditions:
KDM6B-related disorder. Also called: KDM6B-related condition.

Submission:

PreventionGenetics, part of Exact Sciences
Classification: Likely benign for KDM6B-related condition. Last evaluated: 2026-05-21. Review status: criteria provided, single submitter. Criteria: ACMG Guidelines, 2015. Collection method: clinical testing. Allele origin: germline.
Comment: This variant is classified as likely benign based on ACMG/AMP sequence variant interpretation guidelines (Richards et al. 2015 PMID: 25741868, with internal and published modifications).

NM_001348716.2(KDM6B):c.751_753del (p.Leu251del)

Gene: KDM6B (lysine demethylase 6B; plus strand). Cytogenetic location: 17p13.1.
Variant type: Deletion.
Coding change: c.751_753del on transcript NM_001348716.2 (MANE Select); coding-DNA positions 751 to 753, 3 bases deleted (TTA; older notation c.751_753delTTA).
Protein change: p.Leu251del; deletes leucine 251.
Molecular consequence: inframe deletion.
Genome position (GRCh38, 1-based): chr17:7,846,858-7,846,860, TTA deleted; deleting any 3 consecutive bases within chr17:7,846,857-7,846,860 gives the same sequence; the c. name uses the placement nearest the transcript's 3' end. VCF-style (leftmost placement, unchanged base first): chr17-7846856-CATT-C. GRCh37 (hg19) VCF-style: chr17-7750174-CATT-C.
Other names: c.751_753del, p.Leu251del (NM_001080424.2); short protein forms L251del.
Identifiers: ClinVar variation 4990567 (VCV004990567.1).